The following is an entry in ClinVar:

ClinVar aggregate classification (germline): Uncertain significance (1 of 4 stars; one submission).

Conditions:
Hereditary cancer-predisposing syndrome. Also called: Neoplastic Syndromes, Hereditary; Tumor predisposition; Hereditary neoplastic syndrome; Hereditary Cancer Syndrome. Identifiers: Orphanet 140162, MedGen C0027672, MeSH D009386, MONDO:0015356.

Submission:

Ambry Genetics
Classification: Uncertain significance for Hereditary cancer-predisposing syndrome. Last evaluated: 2026-08-08. Review status: criteria provided, single submitter. Criteria: Ambry Variant Classification Scheme 2023. Collection method: clinical testing. Allele origin: germline.
Comment: The p.N352K variant (also known as c.1056C>G), located in coding exon 9 of the MITF gene, results from a C to G substitution at nucleotide position 1056. The asparagine at codon 352 is replaced by lysine, an amino acid with similar properties. This amino acid position is conserved. In addition, this alteration is predicted to be tolerated by in silico analysis. Based on the available evidence, the clinical significance of this variant remains unclear.

NM_001354604.2(MITF):c.1377C>G (p.Asn459Lys)

Gene: MITF (melanocyte inducing transcription factor; plus strand). Cytogenetic location: 3p13.
Variant type: single nucleotide variant.
Coding change: c.1377C>G on transcript NM_001354604.2 (MANE Select); coding-DNA position 1377, C replaced by G.
Protein change: p.Asn459Lys; replaces asparagine 459 with lysine.
Molecular consequence: missense variant.
Genome position (GRCh38, 1-based): chr3:69,965,044, C>G. VCF-style: chr3-69965044-C-G. GRCh37 (hg19) VCF-style: chr3-70014195-C-G.
Other names: c.1056C>G, p.Asn352Lys (NM_000248.4); c.1203C>G, p.Asn401Lys (NM_001184967.2, NM_001354608.2); c.1374C>G, p.Asn458Lys (NM_001354605.2); c.1356C>G, p.Asn452Lys (NM_001354606.2, NM_006722.3); c.1308C>G, p.Asn436Lys (NM_001354607.2); c.1038C>G, p.Asn346Lys (NM_198158.3); c.1359C>G, p.Asn453Lys (NM_198159.3); c.1311C>G, p.Asn437Lys (NM_198177.3); and 1 more; short protein forms N346K, N290K, N352K, N437K, N459K, N401K, N452K, N453K.
Identifiers: ClinVar variation 5024481 (VCV005024481.1).